The following is an entry in ClinVar:

ClinVar aggregate classification (germline): Likely pathogenic (1 of 4 stars; one submission).

Conditions:
Retinal disorder. Also called: Retinopathy; Retinopathies; Retinal Diseases; Retinal disorders. Identifiers: MedGen C0035309, MONDO:0005283, HP:0000488.

Submission:

Genetics Laboratory, Great Ormond Street Hospital NHS Foundation Trust, North Thames Genomic Laboratory Hub
Classification: Likely pathogenic for Retinal disorders. Last evaluated: 2025-08-06. Review status: criteria provided, single submitter. Criteria: ACGS Best Practice Guidelines for Variant Classification in Rare Disease 2024 v1.2. Collection method: clinical testing. Allele origin: germline. Affected: yes.
Comment: PM2_moderate, PVS1_strong, PM3_supporting

NM_006269.2(RP1):c.4147_4151del (p.Asn1382_Gly1383insTer)

Gene: RP1 (RP1 axonemal microtubule associated; plus strand). Cytogenetic location: 8q12.1.
Variant type: Deletion.
Coding change: c.4147_4151del on transcript NM_006269.2 (MANE Select); coding-DNA positions 4147 to 4151, 5 bases deleted (GGATT; older notation c.4147_4151delGGATT).
Protein change: p.Asn1382_Gly1383insTer.
Molecular consequence: nonsense. On other transcripts: intron variant (1).
Genome position (GRCh38, 1-based): chr8:54,628,029-54,628,033, GGATT deleted; deleting any 5 consecutive bases within chr8:54,628,028-54,628,033 gives the same sequence; the c. name uses the placement nearest the transcript's 3' end. VCF-style (leftmost placement, unchanged base first): chr8-54628027-ATGGAT-A. GRCh37 (hg19) VCF-style: chr8-55540587-ATGGAT-A.
Other names: c.787+5741_787+5745del (NM_001375654.1).
Identifiers: ClinVar variation 4277326 (VCV004277326.1).